The following is an entry in ClinVar:

ClinVar aggregate classification (germline): Uncertain significance (1 of 4 stars; one submission).

Allele frequency attached by ClinVar (database versions not stated): ESP Exome Variant Server 0.00008; 1000 Genomes Project 30x 0.00016.
gnomAD v4.1: 241 of 1,604,334 alleles (0.015%); highest among the groups gnomAD compares: Non-Finnish European, 0.015%; 1 homozygote.

Submission:

Labcorp Genetics (formerly Invitae), Labcorp
Classification: Uncertain significance. Last evaluated: 2022-09-07. Review status: criteria provided, single submitter. Criteria: Invitae Variant Classification Sherloc (09022015). Collection method: clinical testing. Allele origin: germline.
Comment: This sequence change replaces glycine, which is neutral and non-polar, with tryptophan, which is neutral and slightly polar, at codon 287 of the ZNF341 protein (p.Gly287Trp). This variant is present in population databases (rs149362037, gnomAD 0.07%). This variant has not been reported in the literature in individuals affected with ZNF341-related conditions. ClinVar contains an entry for this variant (Variation ID: 1386577). Algorithms developed to predict the effect of missense changes on protein structure and function are either unavailable or do not agree on the potential impact of this missense change (SIFT: "Deleterious"; PolyPhen-2: "Possibly Damaging"; Align-GVGD: "Class C0"). In summary, the available evidence is currently insufficient to determine the role of this variant in disease. Therefore, it has been classified as a Variant of Uncertain Significance.

NM_001282933.2(ZNF341):c.859G>T (p.Gly287Trp)

Gene: ZNF341 (zinc finger protein 341; plus strand). Cytogenetic location: 20q11.22.
Variant type: single nucleotide variant.
Coding change: c.859G>T on transcript NM_001282933.2 (MANE Select); coding-DNA position 859, G replaced by T.
Protein change: p.Gly287Trp; replaces glycine 287 with tryptophan.
Molecular consequence: missense variant. On other transcripts: non-coding transcript variant (1).
Genome position (GRCh38, 1-based): chr20:33,757,265, G>T. VCF-style: chr20-33757265-G-T. GRCh37 (hg19) VCF-style: chr20-32345071-G-T.
Other names: c.589G>T, p.Gly197Trp (NM_001282935.2); c.859G>T, p.Gly287Trp (NM_032819.5); short protein forms G197W, G287W.
Identifiers: ClinVar variation 1386577 (VCV001386577.5), dbSNP rs149362037, ClinGen allele CA9819289.